The following is an entry in ClinVar:

NM_199242.3(UNC13D):c.56_63del (p.Ile19fs)

Gene: UNC13D (unc-13 homolog D; minus strand). Cytogenetic location: 17q25.1.
Variant type: Deletion.
Coding change: c.56_63del on transcript NM_199242.3 (MANE Select); coding-DNA positions 56 to 63, 8 bases deleted (TCAAGATA; older notation c.56_63delTCAAGATA).
Protein change: p.Ile19fs; shifts the reading frame from isoleucine 19.
Molecular consequence: frameshift variant.
Genome position (GRCh38, 1-based): chr17:75,844,275-75,844,282, TATCTTGA deleted on the plus strand (TCAAGATA on the coding strand, the reverse complement: UNC13D is on the minus strand); deleting any 8 consecutive bases within chr17:75,844,275-75,844,283 gives the same sequence; the c. name uses the placement nearest the transcript's 3' end. VCF-style (leftmost placement, unchanged base first): chr17-75844274-TTATCTTGA-T. GRCh37 (hg19) VCF-style: chr17-73840355-TTATCTTGA-T.
Other names: short protein forms I19fs.
Identifiers: ClinVar variation 4733906 (VCV004733906.1).

ClinVar aggregate classification (germline): Pathogenic (1 of 4 stars; one submission).

Conditions:
Familial hemophagocytic lymphohistiocytosis 3 (FHL3). Also called: UNC13D-Related Familial Hemophagocytic Lymphohistiocytosis (UNC13D-fHLH). Identifiers: Orphanet 540, MedGen C1837174, MONDO:0012146, OMIM 608898.

Submission:

Labcorp Genetics (formerly Invitae), Labcorp
Classification: Pathogenic for Familial hemophagocytic lymphohistiocytosis 3. Last evaluated: 2025-12-22. Review status: criteria provided, single submitter. Criteria: Invitae Variant Classification Sherloc (09022015). Collection method: clinical testing. Allele origin: germline.
Comment: This sequence change creates a premature translational stop signal (p.Ile19Lysfs*50) in the UNC13D gene. It is expected to result in an absent or disrupted protein product. Loss-of-function variants in UNC13D are known to be pathogenic (PMID: 14622600). This variant is not present in population databases (gnomAD no frequency). This variant has not been reported in the literature in individuals affected with UNC13D-related conditions. For these reasons, this variant has been classified as Pathogenic.

Literature cited by the submitters: PubMed 14622600.